The following is an entry in ClinVar:

ClinVar aggregate classification (germline): Likely benign (1 of 4 stars; one submission).

Submission:

CeGaT Center for Human Genetics Tuebingen
Classification: Likely benign. Last evaluated: 2022-04-01. Review status: criteria provided, single submitter. Criteria: CeGaT Center For Human Genetics Tuebingen Variant Classification Criteria Version 2. Collection method: clinical testing. Allele origin: germline. Affected: yes. Observed: 1 variant allele.
Comment: GRIN2B: PM2:Supporting, BP4, BP7

NM_000834.5(GRIN2B):c.3588T>A (p.Pro1196=)

Gene: GRIN2B (glutamate ionotropic receptor NMDA type subunit 2B; minus strand). Cytogenetic location: 12p13.1.
Variant type: single nucleotide variant.
Coding change: c.3588T>A on transcript NM_000834.5 (MANE Select); coding-DNA position 3588, T replaced by A.
Protein change: p.Pro1196=; no amino-acid change (proline 1196 retained).
Molecular consequence: synonymous variant.
Genome position (GRCh38, 1-based): chr12:13,563,650, A>T on the plus strand (T>A on the coding strand, the complement: GRIN2B is on the minus strand). VCF-style: chr12-13563650-A-T. GRCh37 (hg19) VCF-style: chr12-13716584-A-T.
Other names: c.3588T>A, p.Pro1196= (NM_001413992.1).
Identifiers: ClinVar variation 1694661 (VCV001694661.31), dbSNP rs200884387, ClinGen allele CA478847926.